The following is an entry in ClinVar:

ClinVar aggregate classification (germline): Uncertain significance (1 of 4 stars; one submission).

Conditions:
Familial thoracic aortic aneurysm and aortic dissection (TAAD). Also called: Thoracic aortic aneurysms and dissections. Identifiers: Orphanet 91387, MedGen C4707243, MONDO:0019625.

Submission:

All of Us Research Program, National Institutes of Health
Classification: Uncertain significance for Familial thoracic aortic aneurysm and aortic dissection. Last evaluated: 2023-12-18. Review status: criteria provided, single submitter. Criteria: ACMG Guidelines, 2015. Collection method: clinical testing. Allele origin: germline. Inheritance: Autosomal dominant inheritance. Observed: 1 variant allele, 1 heterozygote.
Comment: This missense variant replaces leucine with phenylalanine at codon 1931 of the MYH11 protein. Computational prediction suggests that this variant may have deleterious impact on protein structure and function (internally defined REVEL score threshold >= 0.7, PMID: 27666373). To our knowledge, functional studies have not been reported for this variant. This variant has not been reported in individuals affected with MYH11-related disorders in the literature. This variant has not been identified in the general population by the Genome Aggregation Database (gnomAD). The available evidence is insufficient to determine the role of this variant in disease conclusively. Therefore, this variant is classified as a Variant of Uncertain Significance.

This study involves interpretation of variants in research participants for the purpose of population health screening. Participant phenotype was not available at the time of variant classification. Additional details can be found in publication PMID: 35346344, PMCID: PMC8962531

NM_002474.3(MYH11):c.5770C>T (p.Leu1924Phe)

Genes: NDE1 (nudE neurodevelopment protein 1; plus strand), MYH11 (myosin heavy chain 11; minus strand). Cytogenetic location: 16p13.11.
Variant type: single nucleotide variant.
Coding change: c.5770C>T on transcript NM_002474.3 (MANE Select); coding-DNA position 5770, C replaced by T.
Protein change: p.Leu1924Phe; replaces leucine 1924 with phenylalanine.
Molecular consequence: missense variant. On other transcripts: intron variant (2).
Genome position (GRCh38, 1-based): chr16:15,714,925, G>A on the plus strand (C>T on the coding strand, the complement: MYH11 is on the minus strand). VCF-style: chr16-15714925-G-A. GRCh37 (hg19) VCF-style: chr16-15808782-G-A.
Other names: c.5791C>T, p.Leu1931Phe (NM_001040113.2, NM_001040114.2); c.948-9266G>A (NM_001143979.2, NM_017668.3); c.5770C>T, p.Leu1924Phe (NM_022844.3); short protein forms L1924F, L1931F.
Identifiers: ClinVar variation 3075129 (VCV003075129.1), dbSNP rs1431099810, ClinGen allele CA394846264.